The following is an entry in ClinVar:

NM_022489.4(INF2):c.2482G>A (p.Ala828Thr)

Gene: INF2 (inverted formin 2; plus strand). Cytogenetic location: 14q32.33.
Variant type: single nucleotide variant.
Coding change: c.2482G>A on transcript NM_022489.4 (MANE Select); coding-DNA position 2482, G replaced by A.
Protein change: p.Ala828Thr; replaces alanine 828 with threonine.
Molecular consequence: missense variant. On other transcripts: non-coding transcript variant (1).
Genome position (GRCh38, 1-based): chr14:104,711,692, G>A. VCF-style: chr14-104711692-G-A. GRCh37 (hg19) VCF-style: chr14-105178029-G-A.
Other names: p.Ala828Thr; c.2482G>A, p.Ala828Thr (NM_001031714.4, NM_001426862.1, NM_001426863.1 and 2 more transcripts); short protein forms A828T.
Identifiers: ClinVar variation 3380239 (VCV003380239.1).

ClinVar aggregate classification (germline): Uncertain significance (1 of 4 stars; one submission).

gnomAD v4.1: 2 of 1,612,224 alleles (0.00012%); highest among the groups gnomAD compares: Non-Finnish European, 0.00017%; no homozygotes.

Submission:

Mayo Clinic Laboratories, Mayo Clinic
Classification: Uncertain significance. Last evaluated: 2023-09-06. Review status: criteria provided, single submitter. Criteria: ACMG Guidelines, 2015. Collection method: clinical testing. Allele origin: germline. Observed: 1 variant allele.
Comment: PM2_moderate